The following is an entry in ClinVar:

ClinVar aggregate classification (germline): Likely pathogenic (1 of 4 stars; one submission).

Conditions:
Cystic fibrosis (CF). Also called: MUCOVISCIDOSIS. Identifiers: Orphanet 586, MedGen C0010674, MONDO:0009061, OMIM 219700. Disease mechanism: loss of function.

Submission:

Women's Health and Genetics/Laboratory Corporation of America, LabCorp
Classification: Likely pathogenic for Cystic fibrosis. Last evaluated: 2023-11-06. Review status: criteria provided, single submitter. Criteria: LabCorp Variant Classification Summary - May 2015. Collection method: clinical testing. Allele origin: germline.
Comment: Variant summary: The variant involves the duplication of exon 6 in the CFTR gene. A presumed nomenclature of c.(579+1_580-1)_(743+1_744-1)dup has been designated for the purposes of this classification. It is assumed to be a tandem duplication in direct orientation (Richardson_GIM_2018, Newman_AJHG_2015). This Copy Number Variant (CNV) is expected to alter the reading frame and predicted to result in a truncation or absence of the encoded protein due to nonsense mediated decay (NMD). The variant was absent in 21694 control chromosomes. The available data on variant occurrences in the general population are insufficient to allow any conclusion about variant significance. To our knowledge, no occurrence of c.(579+1_580-1)_(743+1_744-1)dup in individuals affected with Cystic Fibrosis and no experimental evidence demonstrating its impact on protein function have been reported. No submitters have cited clinical-significance assessments for this variant to ClinVar after 2014. Based on the evidence outlined above, the variant was classified as likely pathogenic.

NC_000007.13:g.(117174420_117175301)_(117175466_117176601)dup

Gene: CFTR (CF transmembrane conductance regulator; plus strand). Cytogenetic location: 7q31.2.
Variant type: Duplication.
Identifiers: ClinVar variation 2682342 (VCV002682342.1).